The following is an entry in ClinVar:

ClinVar aggregate classification (germline): Uncertain significance (1 of 4 stars; one submission).

Conditions:
Telangiectasia, hereditary hemorrhagic, type 2 (HHT2). Also called: ACVRL1-Related Hereditary Hemorrhagic Telangiectasia; Telangiectasia, hereditary hemorrhagic, type II. Identifiers: Orphanet 774, MedGen C1838163, MONDO:0010880, OMIM 600376. Disease mechanism: loss of function.

gnomAD v4.1: 1 of 1,614,194 alleles (0.000062%); highest among the groups gnomAD compares: Non-Finnish European, 0.000085%; no homozygotes.

Submission:

Labcorp Genetics (formerly Invitae), Labcorp
Classification: Uncertain significance for Telangiectasia, hereditary hemorrhagic, type 2. Last evaluated: 2022-03-26. Review status: criteria provided, single submitter. Criteria: Invitae Variant Classification Sherloc (09022015). Collection method: clinical testing. Allele origin: germline.
Comment: In summary, the available evidence is currently insufficient to determine the role of this variant in disease. Therefore, it has been classified as a Variant of Uncertain Significance. Advanced modeling of protein sequence and biophysical properties (such as structural, functional, and spatial information, amino acid conservation, physicochemical variation, residue mobility, and thermodynamic stability) performed at Invitae indicates that this missense variant is expected to disrupt ACVRL1 protein function. This variant has not been reported in the literature in individuals affected with ACVRL1-related conditions. This variant is not present in population databases (gnomAD no frequency). This sequence change replaces glycine, which is neutral and non-polar, with serine, which is neutral and polar, at codon 283 of the ACVRL1 protein (p.Gly283Ser).

NM_000020.3(ACVRL1):c.847G>A (p.Gly283Ser)

Gene: ACVRL1 (activin A receptor like type 1; plus strand). Cytogenetic location: 12q13.13.
Variant type: single nucleotide variant.
Coding change: c.847G>A on transcript NM_000020.3 (MANE Select); coding-DNA position 847, G replaced by A.
Protein change: p.Gly283Ser; replaces glycine 283 with serine.
Molecular consequence: missense variant.
Genome position (GRCh38, 1-based): chr12:51,915,299, G>A. VCF-style: chr12-51915299-G-A. GRCh37 (hg19) VCF-style: chr12-52309083-G-A.
Other names: c.847G>A, p.Gly283Ser (NM_001077401.2, NM_001406487.1, NM_001406488.1 and 1 more transcripts); c.535G>A, p.Gly179Ser (NM_001406490.1, NM_001406491.1, NM_001406492.1 and 2 more transcripts); c.283G>A, p.Gly95Ser (NM_001406495.1); short protein forms G95S, G179S, G283S.
Identifiers: ClinVar variation 2078343 (VCV002078343.4), dbSNP rs2540164255, ClinGen allele CA384900538.
Genomic context (GRCh38, chr12:51,915,299, plus strand): 5'-GACATGACCTCCCGCAACTCGAGCACGCAGCTGTGGCTCATCACGCACTACCACGAGCAC[G>A]GCTCCCTCTACGACTTTCTGCAGAGACAGACGCTGGAGCCCCATCTGGCTCTGAGGCTAG-3'
Protein context (NP_000011.2, residues 273-293): LWLITHYHEH[Gly283Ser]SLYDFLQRQT